The following is an entry in ClinVar:

NM_001849.4(COL6A2):c.1969+3C>T

Gene: COL6A2 (collagen type VI alpha 2 chain; plus strand). Cytogenetic location: 21q22.3.
Variant type: single nucleotide variant.
Coding change: c.1969+3C>T on transcript NM_001849.4 (MANE Select); 3 bases into the intron after coding-DNA position 1969, C replaced by T.
Molecular consequence: intron variant.
Genome position (GRCh38, 1-based): chr21:46,125,620, C>T. VCF-style: chr21-46125620-C-T. GRCh37 (hg19) VCF-style: chr21-47545534-C-T.
Other names: c.1969+3C>T (NM_058175.3, NM_058174.3).
Identifiers: ClinVar variation 4772814 (VCV004772814.1).

ClinVar aggregate classification (germline): Uncertain significance (1 of 4 stars; one submission).

Conditions:
Bethlem myopathy 1A. Also called: Bethlem myopathy 1; Bethlem Muscular Dystrophy; MYOPATHY, BENIGN CONGENITAL, WITH CONTRACTURES. Identifiers: Orphanet 610, MedGen CN029274, MONDO:0024530, OMIM 158810.

gnomAD v4.1: 1 of 1,611,734 alleles (0.000062%); highest among the groups gnomAD compares: South Asian, 0.0011%; no homozygotes.

Submission:

Labcorp Genetics (formerly Invitae), Labcorp
Classification: Uncertain significance for Bethlem myopathy 1A. Last evaluated: 2025-03-10. Review status: criteria provided, single submitter. Criteria: Invitae Variant Classification Sherloc (09022015). Collection method: clinical testing. Allele origin: germline.
Comment: This sequence change falls in intron 25 of the COL6A2 gene. It does not directly change the encoded amino acid sequence of the COL6A2 protein. It affects a nucleotide within the consensus splice site. This variant is present in population databases (rs770618804, gnomAD 0.003%). This variant has not been reported in the literature in individuals affected with COL6A2-related conditions. Variants that disrupt the consensus splice site are a relatively common cause of aberrant splicing (PMID: 17576681, 9536098). Algorithms developed to predict the effect of sequence changes on RNA splicing suggest that this variant is not likely to affect RNA splicing. In summary, the available evidence is currently insufficient to determine the role of this variant in disease. Therefore, it has been classified as a Variant of Uncertain Significance.

Literature cited by the submitters: PubMed 17576681; PubMed 9536098.